The following is an entry in ClinVar:

ClinVar aggregate classification (germline): Conflicting classifications of pathogenicity. Review status: criteria provided, conflicting classifications (1 of 4 stars). 3 submissions from 3 submitters: Uncertain significance (2); Likely benign (1). Last evaluated 2025-07-06.

Conditions:
Multiple epiphyseal dysplasia, Beighton type. Identifiers: Orphanet 166011, MedGen C1851536, MONDO:0007562, OMIM 132450.
Spondyloepiphyseal dysplasia with metatarsal shortening. Also called: CZECH DYSPLASIA, METATARSAL TYPE; SPONDYLOEPIPHYSEAL DYSPLASIA WITH PRECOCIOUS OSTEOARTHRITIS; Pseudorheumatoid dysplasia progressive, with hypoplastic toes. Identifiers: Orphanet 137678, MedGen C1836683, MONDO:0012206, OMIM 609162.
Spondyloperipheral dysplasia. Also called: SPONDYLOPERIPHERAL DYSPLASIA WITH SHORT ULNA; Spondyloperipheral dysplasia-short ulna syndrome. Identifiers: Orphanet 1856, MedGen C0796173, MONDO:0010078, OMIM 271700.
Vitreoretinopathy with phalangeal epiphyseal dysplasia (VPED). Identifiers: MedGen C1852989, MONDO:0031001, OMIM 619248.
Legg-Calve-Perthes disease. Also called: PERTHES DISEASE; Osteochondritis deformans; Coxa plana; Avascular necrosis of the capital femoral epiphysis. Identifiers: Orphanet 2380, MedGen C1442965, MONDO:0007885, OMIM 150600, HP:0005743.
Kniest dysplasia. Identifiers: Orphanet 485, MedGen C0265279, MONDO:0007987, OMIM 156550.
Achondrogenesis type II (ACG2). Also called: ACHONDROGENESIS, LANGER-SALDINO TYPE; CHONDROGENESIS IMPERFECTA. Identifiers: Orphanet 932, Orphanet 93296, MedGen C0220685, MONDO:0008702, OMIM 200610.
Avascular necrosis of femoral head, primary, 1 (ANFH1). Also called: Avascular necrosis of femoral head, primary. Identifiers: Orphanet 86820, MedGen C4551562, MONDO:0054550, OMIM 608805.
Spondyloepiphyseal dysplasia, Stanescu type. Also called: SED, STANESCU TYPE; SPONDYLOEPIMETAPHYSEAL DYSPLASIA, STANESCU TYPE. Identifiers: Orphanet 459051, MedGen C4225273, MONDO:0014701, OMIM 616583.
Spondyloepiphyseal dysplasia congenita (SEDC). Also called: SED CONGENITA; SPONDYLOEPIPHYSEAL DYSPLASIA, CONGENITAL TYPE. Identifiers: Orphanet 94068, MedGen C2745959, MONDO:0008471, OMIM 183900.
Spondyloepimetaphyseal dysplasia, Strudwick type (SEMDSTWK). Also called: DAPPLED METAPHYSIS SYNDROME; STRUDWICK SYNDROME. Identifiers: Orphanet 93346, MedGen C0700635, MONDO:0008476, OMIM 184250.
Stickler syndrome type 1 (STL1). Also called: ARTHROOPHTHALMOPATHY, HEREDITARY PROGRESSIVE; STICKLER SYNDROME, MEMBRANOUS VITREOUS TYPE; STICKLER SYNDROME, VITREOUS TYPE 1; COL2A1-Related Stickler Syndrome. Identifiers: Orphanet 828, Orphanet 90653, MedGen C2020284, MONDO:0007160, OMIM 108300.
Stickler syndrome, type I, nonsyndromic ocular. Also called: STICKLER SYNDROME, TYPE I, PREDOMINANTLY OCULAR; STICKLER SYNDROME, ATYPICAL. Identifiers: MedGen C1836080, MONDO:0012287, OMIM 609508.
Platyspondylic dysplasia, Torrance type (PLSDT). Identifiers: Orphanet 85166, MedGen C1835437, MONDO:0007895, OMIM 151210.
Namaqualand hip dysplasia (OSCDP). Also called: Mild spondyloepiphyseal dysplasia due to COL2A1 mutation with early-onset osteoarthritis. Identifiers: Orphanet 93279, MedGen C0432214, MONDO:0011496, OMIM 604864.

Allele frequency attached by ClinVar (database versions not stated): gnomAD exomes 0.00002 and 0.00001; TOPMed 0.00002; gnomAD 0.00001; ExAC 0.00002.
gnomAD v4.1: 13 of 1,613,944 alleles (0.00081%); highest among the groups gnomAD compares: Admixed American, 0.012%; no homozygotes.

Submissions (3):

GeneDx
Classification: Uncertain significance. Last evaluated: 2025-07-06. Review status: criteria provided, single submitter. Criteria: GeneDx Variant Classification Process June 2021. Collection method: clinical testing. Allele origin: germline. Affected: yes.
Comment: In silico analysis suggests that this missense variant does not alter protein structure/function; Occurs in the triple helical domain at the Y position in the canonical Gly-X-Y repeat; although this variant may have an effect on normal protein folding and function, missense substitution at the Y position is not a common mechanism of disease (HGMD); Has not been previously published as pathogenic or benign to our knowledge

Labcorp Genetics (formerly Invitae), Labcorp
Classification: Likely benign. Last evaluated: 2024-09-06. Review status: criteria provided, single submitter. Criteria: Invitae Variant Classification Sherloc (09022015). Collection method: clinical testing. Allele origin: germline.

Juno Genomics, Hangzhou Juno Genomics, Inc
Classification: Uncertain significance for Multiple epiphyseal dysplasia, Beighton type; Vitreoretinopathy with phalangeal epiphyseal dysplasia; Achondrogenesis type II; Avascular necrosis of femoral head, primary, 1; Spondyloepiphyseal dysplasia with metatarsal shortening; Kniest dysplasia; Legg-Calve-Perthes disease; Namaqualand hip dysplasia; Platyspondylic dysplasia, Torrance type; Spondyloepiphyseal dysplasia congenita; Spondyloepimetaphyseal dysplasia, Strudwick type; Spondyloepiphyseal dysplasia, Stanescu type; Spondyloperipheral dysplasia; Stickler syndrome, type I, nonsyndromic ocular; Stickler syndrome type 1. Review status: criteria provided, single submitter. Criteria: ACMG Guidelines, 2015. Collection method: clinical testing. Allele origin: germline. Affected: yes.
Comment: Absent from controls (or at extremely low frequency if recessive) in Genome Aggregation Database, Exome Sequencing Project, 1000 Genomes Project, or Exome Aggregation Consortium.

NM_001844.5(COL2A1):c.2947G>A (p.Val983Ile)

Gene: COL2A1 (collagen type II alpha 1 chain; minus strand). Cytogenetic location: 12q13.11.
Variant type: single nucleotide variant.
Coding change: c.2947G>A on transcript NM_001844.5 (MANE Select); coding-DNA position 2947, G replaced by A.
Protein change: p.Val983Ile; replaces valine 983 with isoleucine.
Molecular consequence: missense variant.
Genome position (GRCh38, 1-based): chr12:47,978,347, C>T on the plus strand (G>A on the coding strand, the complement: COL2A1 is on the minus strand). VCF-style: chr12-47978347-C-T. GRCh37 (hg19) VCF-style: chr12-48372130-C-T.
Other names: c.2740G>A, p.Val914Ile (NM_033150.3); short protein forms V914I, V983I.
Identifiers: ClinVar variation 1011511 (VCV001011511.13), dbSNP rs772889503, ClinGen allele CA6534944.